The following is an entry in ClinVar:

NM_000455.5(STK11):c.291-20C>T

Gene: STK11 (serine/threonine kinase 11; plus strand). Cytogenetic location: 19p13.3.
Variant type: single nucleotide variant.
Coding change: c.291-20C>T on transcript NM_000455.5 (MANE Select); 20 bases into the intron before coding-DNA position 291, C replaced by T.
Molecular consequence: intron variant.
Genome position (GRCh38, 1-based): chr19:1,218,397, C>T. VCF-style: chr19-1218397-C-T. GRCh37 (hg19) VCF-style: chr19-1218396-C-T.
Identifiers: ClinVar variation 1627009 (VCV001627009.9), dbSNP rs973142127, ClinGen allele CA2317588498.

ClinVar aggregate classification (germline): Likely benign. Review status: criteria provided, multiple submitters, no conflicts (2 of 4 stars). 2 submissions from 2 submitters: Likely benign (2). Last evaluated 2025-03-25.

Conditions:
Peutz-Jeghers syndrome (PJS). Also called: Peutz-Jeghers polyposis; Periorificial lentiginosis syndrome; POLYPOSIS, HAMARTOMATOUS INTESTINAL; POLYPS-AND-SPOTS SYNDROME. Identifiers: Orphanet 2869, MedGen C0031269, MeSH D010580, MONDO:0008280, OMIM 175200.

Submissions (2):

Myriad Genetics, Inc.
Classification: Likely benign for Peutz-Jeghers syndrome. Last evaluated: 2025-03-25. Review status: criteria provided, single submitter. Criteria: Myriad Autosomal Dominant, Autosomal Recessive and X-Linked Classification Criteria (2023). Collection method: clinical testing. Allele origin: unknown.
Comment: This variant is considered likely benign. This variant is intronic and is not expected to impact mRNA splicing.

Labcorp Genetics (formerly Invitae), Labcorp
Classification: Likely benign for Peutz-Jeghers syndrome. Last evaluated: 2025-02-10. Review status: criteria provided, single submitter. Criteria: Invitae Variant Classification Sherloc (09022015). Collection method: clinical testing. Allele origin: germline.